The following is an entry in ClinVar:

NM_000552.5(VWF):c.4304A>G (p.Asn1435Ser)

Gene: VWF (von Willebrand factor; minus strand). Cytogenetic location: 12p13.31.
Variant type: single nucleotide variant.
Coding change: c.4304A>G on transcript NM_000552.5 (MANE Select); coding-DNA position 4304, A replaced by G.
Protein change: p.Asn1435Ser; replaces asparagine 1435 with serine.
Molecular consequence: missense variant.
Genome position (GRCh38, 1-based): chr12:6,019,114, T>C on the plus strand (A>G on the coding strand, the complement: VWF is on the minus strand). VCF-style: chr12-6019114-T-C. GRCh37 (hg19) VCF-style: chr12-6128280-T-C.
Other names: NM_000552.5(VWF):c.4304A>G; c.4304A>G (NM_000552.4); short protein forms N1435S.
Identifiers: ClinVar variation 310062 (VCV000310062.20), dbSNP rs11063987, ClinGen allele CA6402552.

ClinVar aggregate classification (germline): Benign. Review status: reviewed by expert panel (3 of 4 stars). 8 submissions from 6 submitters: Benign (1). 7 of the submissions do not count toward it. Last evaluated 2024-11-05.

Conditions:
von Willebrand disease type 1 (VWD1). Also called: VWD, TYPE 1; VON WILLEBRAND DISEASE, TYPE I. Identifiers: Orphanet 166078, Orphanet 903, MedGen C1264039, MONDO:0008668, OMIM 193400. Inheritance: autosomal recessive or autosomal dominant.
Hereditary von Willebrand disease. Identifiers: Orphanet 903, MedGen C5703318, MONDO:0019565. Inheritance: Autosomal recessive or Autosomal dominant.
von Willebrand disease type 3 (VWD3). Also called: Type 3 Von Willebrand's disease; Type 3 VWD; Von Willebrand disease, severe form; V WD3; VON WILLEBRAND DISEASE, TYPE III. Identifiers: Orphanet 166096, MedGen C1264041, MONDO:0010191, OMIM 277480.
von Willebrand disease type 2 (VWD2). Also called: VON WILLEBRAND DISEASE, TYPE 2A/IIE; VON WILLEBRAND DISEASE, TYPE 2CB; VWD, TYPE 2; VON WILLEBRAND DISEASE, TYPE II. Identifiers: Orphanet 166081, Orphanet 903, MedGen C1264040, MONDO:0013304, OMIM 613554.

Allele frequency attached by ClinVar (database versions not stated): gnomAD exomes 0.00326 and 0.00818; ExAC 0.00988; 1000 Genomes Project 0.02995; gnomAD 0.03193 and 0.03448; 1000 Genomes Project 30x 0.03310; ESP Exome Variant Server 0.03506; TOPMed 0.03530.
gnomAD v4.1: 9,834 of 1,613,798 alleles (0.61%); highest among the groups gnomAD compares: African/African-American, 11%; 510 homozygotes.

Submissions (8):

ClinGen von Willebrand Disease Variant Curation Expert Panel, ClinGen
Classification: Benign for Hereditary von Willebrand disease. Last evaluated: 2024-11-05. Review status: reviewed by expert panel. Criteria: ClinGen VWD 2A B M Rules. Collection method: curation. Allele origin: germline.
Comment: The NM_000552.5:c.4304A>G variant in VWF is a missense variant predicted to cause substitution of asparagine by serine at amino acid 1435. TThe Grpmax filtering allele frequency in gnomAD v4.1 is 0.1104 (based on 8427/74964 alleles in the African American population[, including 498 homozygotes), which is higher than the ClinGen VWD VCEP threshold of >0.1 for BA1. This variant has been observed in 1 patient with an alternate molecular basis for disease, the presence (with unreported phase) of the p.Arg1341Gln variant, previously classified Pathogenic by the ClinGen VWD Type 2 VCEP (BP5; PMID: 30817071). At least 16 healthy adult individuals harboring the p.Asn1435Ser variant were found to be unaffected, with no diagnosis of a bleeding disorder and normal lab values, including bleeding scores lower than 4, VWF:RCo/VWF:Ag ratios >0.6, and no increased response to low-dose ristocetin (PMID: 20231421). The mean VWF:RCo/VWF:Ag ratio of 0.71-0.77 within this group was significantly reduced compared to 0.91-0.97 for WT, but above the threshold of <0.6. However, BS2 was not considered due to incomplete penetrance in this gene-disease relationship. In summary this variant is classified as Benign for VWD based on the ACMG/AMP criteria applied, as specified by the ClinGen VWD VCEP: BA1, BP5.

Mayo Clinic Laboratories, Mayo Clinic
Classification: Benign. Last evaluated: 2025-10-17. Review status: criteria provided, single submitter. Criteria: ACMG Guidelines, 2015. Collection method: clinical testing. Allele origin: germline. Observed: 21 variant alleles. Not counted in ClinVar's aggregate classification.
Comment: BA1

ARUP Laboratories, Molecular Genetics and Genomics, ARUP Laboratories
Classification: Benign. Last evaluated: 2025-06-02. Review status: criteria provided, single submitter. Criteria: ARUP Molecular Germline Variant Investigation Process 2024. Collection method: clinical testing. Allele origin: germline. Not counted in ClinVar's aggregate classification.

Quest Diagnostics Nichols Institute San Juan Capistrano
Classification: Benign. Last evaluated: 2022-06-24. Review status: criteria provided, single submitter. Criteria: Quest Diagnostics criteria. Collection method: clinical testing. Allele origin: unknown. Not counted in ClinVar's aggregate classification.

Genome-Nilou Lab
Classification: Benign for von Willebrand disease type 1. Last evaluated: 2021-12-05. Review status: criteria provided, single submitter. Criteria: ACMG Guidelines, 2015. Collection method: clinical testing. Allele origin: germline. Affected: no. Not counted in ClinVar's aggregate classification.

Genome-Nilou Lab
Classification: Benign for von Willebrand disease type 3. Last evaluated: 2021-12-05. Review status: criteria provided, single submitter. Criteria: ACMG Guidelines, 2015. Collection method: clinical testing. Allele origin: germline. Affected: no. Not counted in ClinVar's aggregate classification.

Genome-Nilou Lab
Classification: Benign for von Willebrand disease type 2. Last evaluated: 2021-12-05. Review status: criteria provided, single submitter. Criteria: ACMG Guidelines, 2015. Collection method: clinical testing. Allele origin: germline. Affected: no. Not counted in ClinVar's aggregate classification.

Breakthrough Genomics
Classification: Likely benign. Review status: criteria provided, single submitter. Criteria: ACMG Guidelines, 2015. Collection method: not provided. Allele origin: germline. Inheritance: Autosomal recessive inheritance. Affected: yes. Not counted in ClinVar's aggregate classification.